The following is an entry in ClinVar:

NM_003665.4(FCN3):c.596G>A (p.Arg199His)

Gene: FCN3 (ficolin 3; minus strand). Cytogenetic location: 1p36.11.
Variant type: single nucleotide variant.
Coding change: c.596G>A on transcript NM_003665.4 (MANE Select); coding-DNA position 596, G replaced by A.
Protein change: p.Arg199His; replaces arginine 199 with histidine.
Molecular consequence: missense variant.
Genome position (GRCh38, 1-based): chr1:27,370,658, C>T on the plus strand (G>A on the coding strand, the complement: FCN3 is on the minus strand). VCF-style: chr1-27370658-C-T. GRCh37 (hg19) VCF-style: chr1-27697149-C-T.
Other names: c.563G>A, p.Arg188His (NM_173452.3); short protein forms R188H, R199H.
Identifiers: ClinVar variation 1305261 (VCV001305261.3), dbSNP rs546449247, ClinGen allele CA714242.

ClinVar aggregate classification (germline): Uncertain significance (1 of 4 stars; one submission).

Allele frequency attached by ClinVar (database versions not stated): gnomAD 0.00001; TOPMed 0.00001; ExAC 0.00009; 1000 Genomes Project 0.00020; 1000 Genomes Project 30x 0.00031.
gnomAD v4.1: 69 of 1,614,212 alleles (0.0043%); highest among the groups gnomAD compares: South Asian, 0.037%; no homozygotes.

Submission:

GeneDx
Classification: Uncertain significance. Last evaluated: 2019-04-18. Review status: criteria provided, single submitter. Criteria: GeneDx Variant Classification Process June 2021. Collection method: clinical testing. Allele origin: germline. Affected: yes.
Comment: In silico analysis, which includes protein predictors and evolutionary conservation, supports that this variant does not alter protein structure/function; Has not been previously published as pathogenic or benign to our knowledge